The following is an entry in ClinVar:

NM_013339.4(ALG6):c.322C>G (p.His108Asp)

Gene: ALG6 (ALG6 alpha-1,3-glucosyltransferase; plus strand). Cytogenetic location: 1p31.3.
Variant type: single nucleotide variant.
Coding change: c.322C>G on transcript NM_013339.4 (MANE Select); coding-DNA position 322, C replaced by G.
Protein change: p.His108Asp; replaces histidine 108 with aspartic acid.
Molecular consequence: missense variant.
Genome position (GRCh38, 1-based): chr1:63,404,517, C>G. VCF-style: chr1-63404517-C-G. GRCh37 (hg19) VCF-style: chr1-63870188-C-G.
Other names: short protein forms H108D.
Identifiers: ClinVar variation 1441555 (VCV001441555.6), dbSNP rs2100415489, ClinGen allele CA340634393.

ClinVar aggregate classification (germline): Uncertain significance (1 of 4 stars; one submission).

Conditions:
ALG6-congenital disorder of glycosylation 1C (CDG1C). Also called: Congenital disorder of glycosylation, type Ic; CARBOHYDRATE-DEFICIENT GLYCOPROTEIN SYNDROME, TYPE I, WITH DEFICIENT GLYCOSYLATION OF DOLICHOL-LINKED OLIGOSACCHARIDE; CARBOHYDRATE-DEFICIENT GLYCOPROTEIN SYNDROME, TYPE V; Congenital disorder of glycosylation type 1C; CDG Ic. Identifiers: Orphanet 79320, MedGen C2930997, MONDO:0011291, OMIM 603147.

Allele frequency attached by ClinVar (database versions not stated): gnomAD exomes below 0.00001.
gnomAD v4.1: 1 of 1,613,672 alleles (0.000062%); highest among the groups gnomAD compares: Non-Finnish European, 0.000085%; no homozygotes.

Submission:

Labcorp Genetics (formerly Invitae), Labcorp
Classification: Uncertain significance for ALG6-congenital disorder of glycosylation 1C. Last evaluated: 2022-09-19. Review status: criteria provided, single submitter. Criteria: Invitae Variant Classification Sherloc (09022015). Collection method: clinical testing. Allele origin: germline.
Comment: This sequence change replaces histidine, which is basic and polar, with aspartic acid, which is acidic and polar, at codon 108 of the ALG6 protein (p.His108Asp). This variant is not present in population databases (gnomAD no frequency). This variant has not been reported in the literature in individuals affected with ALG6-related conditions. ClinVar contains an entry for this variant (Variation ID: 1441555). Advanced modeling of protein sequence and biophysical properties (such as structural, functional, and spatial information, amino acid conservation, physicochemical variation, residue mobility, and thermodynamic stability) performed at Invitae indicates that this missense variant is expected to disrupt ALG6 protein function. In summary, the available evidence is currently insufficient to determine the role of this variant in disease. Therefore, it has been classified as a Variant of Uncertain Significance.